The following is an entry in ClinVar:

ClinVar aggregate classification (germline): Likely benign (1 of 4 stars; one submission).

Submission:

CeGaT Center for Human Genetics Tuebingen
Classification: Likely benign. Last evaluated: 2026-09-01. Review status: criteria provided, single submitter. Criteria: CeGaT Center For Human Genetics Tuebingen Variant Classification Criteria Version 2. Collection method: clinical testing. Allele origin: germline. Affected: yes. Observed: 1 variant allele.
Comment: COLEC10: PM2:Supporting, BP4, BP7

NM_006438.5(COLEC10):c.561G>A (p.Lys187=)

Gene: COLEC10 (collectin subfamily member 10; plus strand). Cytogenetic location: 8q24.12.
Variant type: single nucleotide variant.
Coding change: c.561G>A on transcript NM_006438.5 (MANE Select); coding-DNA position 561, G replaced by A.
Protein change: p.Lys187=; no amino-acid change (lysine 187 retained).
Molecular consequence: synonymous variant.
Genome position (GRCh38, 1-based): chr8:119,105,918, G>A. VCF-style: chr8-119105918-G-A. GRCh37 (hg19) VCF-style: chr8-120118157-G-A.
Other names: c.354G>A, p.Lys118= (NM_001324095.2).
Identifiers: ClinVar variation 5041657 (VCV005041657.1).